The following is an entry in ClinVar:

ClinVar aggregate classification (germline): Uncertain significance (1 of 4 stars; one submission).

gnomAD v4.1: 6 of 1,613,156 alleles (0.00037%); highest among the groups gnomAD compares: South Asian, 0.0022%; no homozygotes.

Submission:

CeGaT Center for Human Genetics Tuebingen
Classification: Uncertain significance. Last evaluated: 2026-07-01. Review status: criteria provided, single submitter. Criteria: CeGaT Center For Human Genetics Tuebingen Variant Classification Criteria Version 2. Collection method: clinical testing. Allele origin: germline. Affected: yes. Observed: 2 variant alleles.
Comment: VPS13C: PM2, BP4

NM_020821.3(VPS13C):c.11056G>A (p.Val3686Met)

Gene: VPS13C (vacuolar protein sorting 13 homolog C; minus strand). Cytogenetic location: 15q22.2.
Variant type: single nucleotide variant.
Coding change: c.11056G>A on transcript NM_020821.3 (MANE Select); coding-DNA position 11056, G replaced by A.
Protein change: p.Val3686Met; replaces valine 3686 with methionine.
Molecular consequence: missense variant.
Genome position (GRCh38, 1-based): chr15:61,856,306, C>T on the plus strand (G>A on the coding strand, the complement: VPS13C is on the minus strand). VCF-style: chr15-61856306-C-T. GRCh37 (hg19) VCF-style: chr15-62148505-C-T.
Other names: c.10927G>A, p.Val3643Met (NM_017684.5); short protein forms V3643M, V3686M.
Identifiers: ClinVar variation 3778253 (VCV003778253.7).